The following is an entry in ClinVar:

NM_007294.4(BRCA1):c.1759_1762del (p.Ile587fs)

Gene: BRCA1 (BRCA1 DNA repair associated; minus strand). Cytogenetic location: 17q21.31.
Variant type: Deletion.
Coding change: c.1759_1762del on transcript NM_007294.4 (MANE Select); coding-DNA positions 1759 to 1762, 4 bases deleted (ATAA; older notation c.1759_1762delATAA).
Protein change: p.Ile587fs; shifts the reading frame from isoleucine 587.
Molecular consequence: frameshift variant. On other transcripts: intron variant (137).
Genome position (GRCh38, 1-based): chr17:43,093,769-43,093,772, TTAT deleted on the plus strand (ATAA on the coding strand, the reverse complement: BRCA1 is on the minus strand). VCF-style (leftmost placement, unchanged base first): chr17-43093768-CTTAT-C. GRCh37 (hg19) VCF-style: chr17-41245785-CTTAT-C.
Other names: 1878del4; c.1546_1549del, p.Ile516fs (NM_001407571.1, NM_001407898.1, NM_001407899.1 and 9 more transcripts); c.1759_1762del, p.Ile587fs (NM_001407581.1, NM_001407582.1, NM_001407583.1 and 30 more transcripts); c.1756_1759del, p.Ile586fs (NM_001407587.1, NM_001407590.1, NM_001407591.1 and 22 more transcripts); c.1681_1684del, p.Ile561fs (NM_001407655.1, NM_001407656.1, NM_001407657.1 and 4 more transcripts); c.1678_1681del, p.Ile560fs (NM_001407659.1, NM_001407660.1, NM_001407661.1 and 1 more transcripts); c.1633_1636del, p.Ile545fs (NM_001407673.1, NM_001407691.1, NM_001407941.1 and 11 more transcripts); c.1636_1639del, p.Ile546fs (NM_001407674.1, NM_001407675.1, NM_001407676.1 and 19 more transcripts); and 41 more; short protein forms I587fs, I540fs, I476fs, I520fs, I539fs, I561fs, I460fs, I475fs.
Identifiers: ClinVar variation 252868 (VCV000252868.16), dbSNP rs879255479, ClinGen allele CA10586098.

ClinVar aggregate classification (germline): Pathogenic. Review status: reviewed by expert panel (3 of 4 stars). 4 submissions from 4 submitters: Pathogenic (1). 3 of the submissions do not count toward it. Last evaluated 2017-12-15.

Conditions:
Hereditary cancer-predisposing syndrome. Also called: Hereditary Cancer Syndrome; Neoplastic Syndromes, Hereditary; Hereditary neoplastic syndrome; Tumor predisposition. Identifiers: Orphanet 140162, MedGen C0027672, MeSH D009386, MONDO:0015356.
Hereditary breast ovarian cancer syndrome. Also called: Hereditary breast and ovarian cancer syndrome (HBOC); Breast and ovarian cancer; Hereditary breast and ovarian cancer syndrome; Hereditary breast and ovarian cancer; BRCA1- and BRCA2-Associated Hereditary Breast and Ovarian Cancer; Hereditary breast and/or ovarian cancer syndrome. Identifiers: Orphanet 145, MedGen C0677776, MeSH D061325, MONDO:0003582. Disease mechanism: loss of function.
Breast-ovarian cancer, familial, susceptibility to, 1 (BROVCA1). Also called: BRCA1 Hereditary Breast and Ovarian Cancer; OVARIAN CANCER, SUSCEPTIBILITY TO. Identifiers: Orphanet 145, MedGen C2676676, MONDO:0011450, OMIM 604370. Disease mechanism: loss of function.

Submissions (4):

Evidence-based Network for the Interpretation of Germline Mutant Alleles (ENIGMA)
Classification: Pathogenic for Breast-ovarian cancer, familial, susceptibility to, 1. Last evaluated: 2017-12-15. Review status: reviewed by expert panel. Criteria: ENIGMA BRCA1/2 Classification Criteria (2017-06-29). Collection method: curation. Allele origin: germline. Study: ENIGMA.
Comment: Variant allele predicted to encode a truncated non-functional protein.

Ambry Genetics
Classification: Pathogenic for Hereditary cancer-predisposing syndrome. Last evaluated: 2025-08-06. Review status: criteria provided, single submitter. Criteria: Ambry Variant Classification Scheme 2023. Collection method: clinical testing. Allele origin: germline. Not counted in ClinVar's aggregate classification.
Comment: The c.1759_1762delATAA pathogenic mutation, located in coding exon 9 of the BRCA1 gene, results from a deletion of 4 nucleotides at nucleotide positions 1759 to 1762, causing a translational frameshift with a predicted alternate stop codon (p.I587Afs*4). This variant (designated 1759delATAA) was identified in an individual diagnosed with early-onset breast cancer (Churpek JE et al. Breast Cancer Res. Treat., 2015 Jan;149:31-9). This variant is considered to be rare based on population cohorts in the Genome Aggregation Database (gnomAD). This alteration is expected to result in loss of function by premature protein truncation or nonsense-mediated mRNA decay. As such, this alteration is interpreted as a disease-causing mutation.

Labcorp Genetics (formerly Invitae), Labcorp
Classification: Pathogenic for Hereditary breast ovarian cancer syndrome. Last evaluated: 2022-10-04. Review status: criteria provided, single submitter. Criteria: Invitae Variant Classification Sherloc (09022015). Collection method: clinical testing. Allele origin: germline. Not counted in ClinVar's aggregate classification.
Comment: This sequence change creates a premature translational stop signal (p.Ile587Alafs*4) in the BRCA1 gene. It is expected to result in an absent or disrupted protein product. Loss-of-function variants in BRCA1 are known to be pathogenic (PMID: 20104584). This variant is not present in population databases (gnomAD no frequency). This premature translational stop signal has been observed in individual(s) with breast cancer (PMID: 25428789). ClinVar contains an entry for this variant (Variation ID: 252868). For these reasons, this variant has been classified as Pathogenic.

Sharing Clinical Reports Project (SCRP)
Classification: Pathogenic for Breast-ovarian cancer, familial 1. Last evaluated: 2009-11-13. Review status: no assertion criteria provided. Collection method: clinical testing. Allele origin: germline. Not counted in ClinVar's aggregate classification.

Literature cited by the submitters: PubMed 25428789 (cited by Ambry Genetics and Labcorp Genetics (formerly Invitae), Labcorp); PubMed 20104584 (cited by Labcorp Genetics (formerly Invitae), Labcorp).